The following is an entry in ClinVar:

ClinVar aggregate classification (germline): Conflicting classifications of pathogenicity. Review status: criteria provided, conflicting classifications (1 of 4 stars). 3 submissions from 3 submitters: Uncertain significance (2); Benign (1). Last evaluated 2025-11-28.

Conditions:
Dystonia 28, childhood-onset (DYT28). Also called: KMT2B-Related Dystonia (DYT-KMT2B). Identifiers: Orphanet 589618, MedGen C4310633, MONDO:0015004, OMIM 617284.

Allele frequency attached by ClinVar (database versions not stated): gnomAD 0.00002; TOPMed 0.00004; gnomAD exomes 0.00005.
gnomAD v4.1: 71 of 1,584,834 alleles (0.0045%); highest among the groups gnomAD compares: Non-Finnish European, 0.0056%; no homozygotes.

Submissions (3):

Labcorp Genetics (formerly Invitae), Labcorp
Classification: Benign. Last evaluated: 2025-11-28. Review status: criteria provided, single submitter. Criteria: Invitae Variant Classification Sherloc (09022015). Collection method: clinical testing. Allele origin: germline.

CeGaT Center for Human Genetics Tuebingen
Classification: Uncertain significance. Last evaluated: 2023-08-01. Review status: criteria provided, single submitter. Criteria: CeGaT Center For Human Genetics Tuebingen Variant Classification Criteria Version 2. Collection method: clinical testing. Allele origin: germline. Affected: yes. Observed: 1 variant allele.

Pittsburgh Clinical Genomics Laboratory, University of Pittsburgh Medical Center
Classification: Uncertain significance for Dystonia 28, childhood-onset. Last evaluated: 2022-07-20. Review status: criteria provided, single submitter. Criteria: ACMG Guidelines, 2015. Collection method: clinical testing. Allele origin: germline. Inheritance: Autosomal dominant inheritance. Affected: yes.
Comment: This sequence variant is a single nucleotide substitution (C>T) at coding nucleotide position 2005 in the KMT2B gene which results in a proline to serine amino acid change at residue 669 in the KMT2B protein. This variant has not been reported in clinical genetics databases or observed in the medical literature in individuals with KMT2B-related disease, to our knowledge. This variant is present in the gnomAD control population dataset (4/233570 alleles, 0.002%). Multiple bioinformatic tools predict that this amino acid change is likely to be tolerated, and proline is not well conserved at this protein location in vertebrates. Functiol studies testing the effects of this variant have not been performed, to our knowledge. At this time, there is insufficient evidence to determine if this variant is pathogenic or benign. Therefore, we consider it to be a variant of uncertain significance. ACMG Criteria: BP1, BP4, PM2, PP4

NM_014727.3(KMT2B):c.2005C>T (p.Pro669Ser)

Gene: KMT2B (lysine methyltransferase 2B; plus strand). Cytogenetic location: 19q13.12.
Variant type: single nucleotide variant.
Coding change: c.2005C>T on transcript NM_014727.3 (MANE Select); coding-DNA position 2005, C replaced by T.
Protein change: p.Pro669Ser; replaces proline 669 with serine.
Molecular consequence: missense variant.
Genome position (GRCh38, 1-based): chr19:35,721,352, C>T. VCF-style: chr19-35721352-C-T. GRCh37 (hg19) VCF-style: chr19-36212254-C-T.
Other names: c.2005C>T (NM_014727.2); short protein forms P669S.
Identifiers: ClinVar variation 2203441 (VCV002203441.29), dbSNP rs904552535, ClinGen allele CA307783388.